The following is an entry in ClinVar:

NM_001371986.1(UNC80):c.2222G>A (p.Gly741Glu)

Gene: UNC80 (unc-80 subunit of NALCN channel complex; plus strand). Cytogenetic location: 2q34.
Variant type: single nucleotide variant.
Coding change: c.2222G>A on transcript NM_001371986.1 (MANE Select); coding-DNA position 2222, G replaced by A.
Protein change: p.Gly741Glu; replaces glycine 741 with glutamic acid.
Molecular consequence: missense variant.
Genome position (GRCh38, 1-based): chr2:209,820,570, G>A. VCF-style: chr2-209820570-G-A. GRCh37 (hg19) VCF-style: chr2-210685294-G-A.
Other names: c.2222G>A, p.Gly741Glu (NM_032504.2, NM_182587.4); short protein forms G741E.
Identifiers: ClinVar variation 1977323 (VCV001977323.5), dbSNP rs996135014, ClinGen allele CA64669536.

ClinVar aggregate classification (germline): Uncertain significance (1 of 4 stars; one submission).

Submission:

Labcorp Genetics (formerly Invitae), Labcorp
Classification: Uncertain significance. Last evaluated: 2022-07-06. Review status: criteria provided, single submitter. Criteria: Invitae Variant Classification Sherloc (09022015). Collection method: clinical testing. Allele origin: germline.
Comment: This sequence change replaces glycine, which is neutral and non-polar, with glutamic acid, which is acidic and polar, at codon 741 of the UNC80 protein (p.Gly741Glu). This variant is not present in population databases (gnomAD no frequency). This variant has not been reported in the literature in individuals affected with UNC80-related conditions. Algorithms developed to predict the effect of missense changes on protein structure and function are either unavailable or do not agree on the potential impact of this missense change (SIFT: "Not Available"; PolyPhen-2: "Benign"; Align-GVGD: "Not Available"). In summary, the available evidence is currently insufficient to determine the role of this variant in disease. Therefore, it has been classified as a Variant of Uncertain Significance.